The following is an entry in ClinVar:

NM_000214.3(JAG1):c.1713del (p.Cys572fs)

Gene: JAG1 (jagged canonical Notch ligand 1; minus strand). Cytogenetic location: 20p12.2.
Variant type: Deletion.
Coding change: c.1713del on transcript NM_000214.3 (MANE Select); coding-DNA position 1713, one base deleted (C; older notation c.1713delC).
Protein change: p.Cys572fs; shifts the reading frame from cysteine 572.
Molecular consequence: frameshift variant.
Genome position (GRCh38, 1-based): chr20:10,647,967, G deleted on the plus strand (C on the coding strand, the reverse complement: JAG1 is on the minus strand); the first of 5 consecutive G bases (chr20:10,647,967-10,647,971); deleting any one gives the same sequence. VCF-style (leftmost placement, unchanged base first): chr20-10647966-AG-A. GRCh37 (hg19) VCF-style: chr20-10628614-AG-A.
Other names: c.1713delC (NM_000214.3, NM_000214.2); short protein forms C572fs.
Identifiers: ClinVar variation 2444244 (VCV002444244.2), dbSNP rs1555828546, ClinGen allele CA2580097894.

ClinVar aggregate classification (germline): Pathogenic. Review status: criteria provided, multiple submitters, no conflicts (2 of 4 stars). 3 submissions from 3 submitters: Pathogenic (2). 1 of the submissions does not count toward it. Last evaluated 2026-03-22.

Conditions:
Alagille syndrome due to a JAG1 point mutation. Also called: HEPATIC DUCTULAR HYPOPLASIA, SYNDROMATIC; JAG1-Related Alagille Syndrome; Alagille Syndrome 1. Identifiers: Orphanet 261619, Orphanet 52, MedGen C1956125, MONDO:0016862, OMIM 118450.
JAG1-related disorder. Also called: JAG1-related condition; JAG1-related disorders.
Focal segmental glomerulosclerosis (FSGS). Also called: Glomerulosclerosis, focal; Focal sclerosis with hyalinosis. Identifiers: MedGen C0017668, MONDO:0100313, HP:0000097. Disease mechanism: loss of function.

Submissions (3):

Molecular Lab, University of Sulaimaniyah
Classification: Pathogenic for Focal segmental glomerulosclerosis. Last evaluated: 2026-03-22. Review status: criteria provided, single submitter. Criteria: ACMG Guidelines, 2015. Collection method: clinical testing. Allele origin: germline. Inheritance: Autosomal dominant inheritance. Affected: yes. Observed: 3 variant alleles, 3 heterozygotes.
Comment: This variant was classified using the ACMG/AMP 2015 framework (PMID:25741868). PVS1 was applied because JAG1 c.1713delC (p.Cys572ValfsTer3) is a predicted loss-of-function frameshift variant expected to introduce a premature termination codon. PM2 was considered because the variant is absent or not reported in population databases. As internal case-level support, the variant was observed in 3 affected individual(s) from a biopsy-proven focal segmental glomerulosclerosis cohort, including 3 heterozygote(s). Overall, the submitted evidence supported a Pathogenic classification.

3billion
Classification: Pathogenic for Alagille syndrome due to a JAG1 point mutation. Last evaluated: 2023-02-23. Review status: criteria provided, single submitter. Criteria: ACMG Guidelines, 2015. Collection method: clinical testing. Allele origin: unknown. Affected: yes.
Comment: The variant is not observed in the gnomAD v2.1.1 dataset. This variant was predicted to result in a loss or disruption of normal protein function through nonsense-mediated decay (NMD) or protein truncation. Multiple pathogenic variants are reported downstream of the variant. The variant has been reported to be associated with JAG1 related disorder (PMID: 16575836). Therefore, this variant is classified as Pathogenic according to the recommendation of ACMG/AMP guideline.

PreventionGenetics, part of Exact Sciences
Classification: Pathogenic for JAG1-related condition. Last evaluated: 2024-08-15. Review status: no assertion criteria provided. Collection method: clinical testing. Allele origin: germline. Not counted in ClinVar's aggregate classification.
Comment: The JAG1 c.1713delC variant is predicted to result in a frameshift and premature protein termination (p.Cys572Valfs*3). This variant has been reported as causative for Alagille syndrome (Warthen et al. 2006. PubMed ID: 16575836; Gilbert et al. 2019. PubMed ID: 31343788). This variant has not been reported in a large population database, indicating this variant is rare. Frameshift variants in JAG1 are expected to be pathogenic. This variant is interpreted as pathogenic.

Literature cited by the submitters: PubMed 16575836 (cited by 3billion).